The following is an entry in ClinVar:

ClinVar aggregate classification (germline): Uncertain significance (1 of 4 stars; one submission).

Submission:

Mayo Clinic Laboratories, Mayo Clinic
Classification: Uncertain significance. Last evaluated: 2025-03-31. Review status: criteria provided, single submitter. Criteria: ACMG Guidelines, 2015. Collection method: clinical testing. Allele origin: germline. Observed: 1 variant allele.
Comment: PP3_moderate, PM2_supporting

NM_002775.5(HTRA1):c.1079T>C (p.Ile360Thr)

Gene: HTRA1 (HtrA serine peptidase 1; plus strand). Cytogenetic location: 10q26.13.
Variant type: single nucleotide variant.
Coding change: c.1079T>C on transcript NM_002775.5 (MANE Select); coding-DNA position 1079, T replaced by C.
Protein change: p.Ile360Thr; replaces isoleucine 360 with threonine.
Molecular consequence: missense variant.
Genome position (GRCh38, 1-based): chr10:122,508,729, T>C. VCF-style: chr10-122508729-T-C. GRCh37 (hg19) VCF-style: chr10-124268245-T-C.
Other names: p.Ile360Thr; short protein forms I360T.
Identifiers: ClinVar variation 4541594 (VCV004541594.1).
Genomic context (GRCh38, chr10:122,508,729, plus strand): 5'-TTGGAATTAACACTTTGAAAGTGACAGCTGGAATCTCCTTTGCAATCCCATCTGATAAGA[T>C]TAAAAAGTTCCTCACGGAGTCCCATGACCGACAGGCCAAAGGTAGGCAAGGCCCACACAG-3'
Protein context (NP_002766.1, residues 350-370): GISFAIPSDK[Ile360Thr]KKFLTESHDR